The following is an entry in ClinVar:

ClinVar aggregate classification (germline): Likely benign (0 of 4 stars; one submission).

Conditions:
SEMA3B-related disorder. Also called: SEMA3B-related condition.

gnomAD v4.1: 3 of 1,613,770 alleles (0.00019%); highest among the groups gnomAD compares: Non-Finnish European, 0.00017%; no homozygotes.

Submission:

PreventionGenetics, part of Exact Sciences
Classification: Likely benign for SEMA3B-related condition. Last evaluated: 2023-10-03. Review status: no assertion criteria provided. Collection method: clinical testing. Allele origin: germline.
Comment: This variant is classified as likely benign based on ACMG/AMP sequence variant interpretation guidelines (Richards et al. 2015 PMID: 25741868, with internal and published modifications).

NM_001290060.2(SEMA3B):c.1050C>T (p.Ala350=)

Gene: SEMA3B (semaphorin 3B; plus strand). Cytogenetic location: 3p21.31.
Variant type: single nucleotide variant.
Coding change: c.1050C>T on transcript NM_001290060.2 (MANE Select); coding-DNA position 1050, C replaced by T.
Protein change: p.Ala350=; no amino-acid change (alanine 350 retained).
Molecular consequence: synonymous variant.
Genome position (GRCh38, 1-based): chr3:50,273,970, C>T. VCF-style: chr3-50273970-C-T. GRCh37 (hg19) VCF-style: chr3-50311401-C-T.
Other names: c.1047C>T, p.Ala349= (NM_001005914.3); c.1065C>T, p.Ala355= (NM_001290061.1); c.21C>T, p.Ala7= (NM_001290062.2, NM_001290063.2); c.1050C>T, p.Ala350= (NM_004636.4).
Identifiers: ClinVar variation 3348535 (VCV003348535.1).
Genomic context (GRCh38, chr3:50,273,970, plus strand): 5'-CAGCAGCATCTTCCAGGGCTCTGCGGTGTGCGTGTACAGCATGAACGACGTGCGCCGGGC[C>T]TTCTTGGGACCCTTTGCACACAAGGAGGGGCCCATGCACCAGTGGGTGTCATACCAGGGT-3'
Protein context (NP_001276989.1, residues 340-360): CVYSMNDVRR[Ala350=]FLGPFAHKEG